The following is an entry in ClinVar:

ClinVar aggregate classification (germline): Benign. Review status: reviewed by expert panel (3 of 4 stars). 14 submissions from 13 submitters: Benign (1). 13 of the submissions do not count toward it. Last evaluated 2017-04-18.

Conditions:
Noonan syndrome and Noonan-related syndrome. Identifiers: Orphanet 98733, MedGen C5681679, MONDO:0020297.
Cardiovascular phenotype. Identifiers: MedGen CN230736.
RASopathy. Also called: rasopathies; Noonan spectrum disorder. Identifiers: Orphanet 536391, MedGen C5555857, MONDO:0021060.
Noonan syndrome 4 (NS4). Also called: NOONAN SYNDROME WITH PIGMENTED VILLONODULAR SYNOVITIS; SOS1-Related Noonan Syndrome. Identifiers: Orphanet 648, MedGen C1853120, MONDO:0012547, OMIM 610733.
Fibromatosis, gingival, 1 (GINGF1). Identifiers: Orphanet 2024, MedGen C4551558, MONDO:0007609, OMIM 135300.

Allele frequency attached by ClinVar (database versions not stated): ESP Exome Variant Server 0.00008; gnomAD 0.00010 and 0.00012; gnomAD exomes 0.00016 and 0.00038; TOPMed 0.00025; ExAC 0.00034; 1000 Genomes Project 0.00060; 1000 Genomes Project 30x 0.00062.
gnomAD v4.1: 271 of 1,557,822 alleles (0.017%); highest among the groups gnomAD compares: Admixed American, 0.085%; 2 homozygotes.

Submissions (14):

ClinGen RASopathy Variant Curation Expert Panel
Classification: Benign for Noonan syndrome and Noonan-related syndrome. Last evaluated: 2017-04-18. Review status: reviewed by expert panel. Criteria: ClinGen RASopathy ACMG Specifications v1. Collection method: curation. Allele origin: germline. Inheritance: Autosomal dominant inheritance.
Comment: The filtering allele frequency of the c.553A>G (p.Ile185Val) variant in the SOS1 gene is 0.087% (16/11574) of Latino chromosomes by the Exome Aggregation Consortium, which is a high enough frequency to be classified as benign based on thresholds defined by the ClinGen RASopathy Expert Panel (BA1; PMID:29493581)

Labcorp Genetics (formerly Invitae), Labcorp
Classification: Likely benign for RASopathy. Last evaluated: 2026-01-14. Review status: criteria provided, single submitter. Criteria: Invitae Variant Classification Sherloc (09022015). Collection method: clinical testing. Allele origin: germline. Not counted in ClinVar's aggregate classification.

CeGaT Center for Human Genetics Tuebingen
Classification: Likely benign. Last evaluated: 2025-08-01. Review status: criteria provided, single submitter. Criteria: CeGaT Center For Human Genetics Tuebingen Variant Classification Criteria Version 2. Collection method: clinical testing. Allele origin: germline. Affected: yes. Observed: 1 variant allele. Not counted in ClinVar's aggregate classification.
Comment: SOS1: BP4, BS1

Blueprint Genetics
Classification: Likely benign. Last evaluated: 2024-11-07. Review status: criteria provided, single submitter. Criteria: ACMG Guidelines, 2015. Collection method: clinical testing. Allele origin: germline. Not counted in ClinVar's aggregate classification.

GeneDx
Classification: Benign. Last evaluated: 2019-06-10. Review status: criteria provided, single submitter. Criteria: GeneDx Variant Classification Process June 2021. Collection method: clinical testing. Allele origin: germline. Affected: yes. Not counted in ClinVar's aggregate classification.
Comment: This variant is associated with the following publications: (PMID: 29493581, 31573083)

Ambry Genetics
Classification: Likely benign for Cardiovascular phenotype. Last evaluated: 2019-04-04. Review status: criteria provided, single submitter. Criteria: Ambry Variant Classification Scheme 2023. Collection method: clinical testing. Allele origin: germline. Not counted in ClinVar's aggregate classification.

Genome Diagnostics Laboratory, The Hospital for Sick Children
Classification: Benign for Noonan syndrome and Noonan-related syndrome. Last evaluated: 2019-01-01. Review status: criteria provided, single submitter. Criteria: ACMG Guidelines, 2015. Collection method: clinical testing. Allele origin: germline. Not counted in ClinVar's aggregate classification.

Illumina Laboratory Services, Illumina
Classification: Benign for Fibromatosis, gingival, 1. Last evaluated: 2018-01-13. Review status: criteria provided, single submitter. Criteria: ICSL Variant Classification Criteria 13 December 2019. Collection method: clinical testing. Allele origin: germline. Not counted in ClinVar's aggregate classification.
Comment: This variant was observed in the ICSL laboratory as part of a predisposition screen in an ostensibly healthy population. It had not been previously curated by ICSL or reported in the Human Gene Mutation Database (HGMD: prior to June 1st, 2018), and was therefore a candidate for classification through an automated scoring system. Utilizing variant allele frequency, disease prevalence and penetrance estimates, and inheritance mode, an automated score was calculated to assess if this variant is too frequent to cause the disease. Based on the score and internal cut-off values, a variant classified as benign is not then subjected to further curation. The score for this variant resulted in a classification of benign for this disease.

Illumina Laboratory Services, Illumina
Classification: Uncertain significance for Noonan syndrome 4. Last evaluated: 2018-01-13. Review status: criteria provided, single submitter. Criteria: ICSL Variant Classification Criteria 13 December 2019. Collection method: clinical testing. Allele origin: germline. Not counted in ClinVar's aggregate classification.

Eurofins Ntd Llc (ga)
Classification: Benign. Last evaluated: 2017-10-24. Review status: criteria provided, single submitter. Criteria: EGL Classification Definitions 2015. Collection method: clinical testing. Allele origin: germline. Observed: 1 variant allele, 1 heterozygote. Not counted in ClinVar's aggregate classification.

ARUP Laboratories, Molecular Genetics and Genomics, ARUP Laboratories
Classification: Uncertain significance. Last evaluated: 2017-10-20. Review status: criteria provided, single submitter. Criteria: ARUP Molecular Germline Variant Investigation Process. Collection method: clinical testing. Allele origin: germline. Not counted in ClinVar's aggregate classification.

Women's Health and Genetics/Laboratory Corporation of America, LabCorp
Classification: Benign. Last evaluated: 2017-03-12. Review status: criteria provided, single submitter. Criteria: LabCorp Variant Classification Summary - May 2015. Collection method: clinical testing. Allele origin: germline. Not counted in ClinVar's aggregate classification.
Comment: Variant summary: The c.553G>A (p.Ile185Val) in SOS1 gene is a missense change that involves a non-conserved nucleotide and 5/5 in silico tools predict benign outcome. The variant is located outside of any known functional domain, however no functional studies confirming lack of impact of the variant on the protein function have been reported at the time of evaluation. The variant is present in the large control population datasets of ExAC and gnomAD at a frequency 0.0003395 and 0.0003576, respectively (41/120780 and 88/ 246106 chrs tested, respectively). These frequencies exceed the maximal expected frequency of a pathogenic allele (0.000035) in this gene. The variant has not, to our knowledge, been reported in affected individuals via published reports but cited as Likely Benign by a reputable databases/clinical laboratories. Taking together, the variant was classified as Benign.

Laboratory for Molecular Medicine, Mass General Brigham Personalized Medicine
Classification: Uncertain significance. Last evaluated: 2010-10-25. Review status: criteria provided, single submitter. Criteria: LMM Criteria. Collection method: clinical testing. Allele origin: germline. Observed: 3 variant alleles. Not counted in ClinVar's aggregate classification.
Comment: Variant classified as Uncertain Significance - Favor Benign. The Ile185Val varia nt has not previously been reported in the literature or public databases, and i t has not been identified in our laboratory in more than 670 Caucasian probands. This po sition is not highly conserved in evolution, and the frog has a Val at this posi tion of the protein. Finally, this variant is predicted by three different compu tational tools to have a benign role, though it should be noted that the accurac y of these tools is not well understood. Therefore, while the clinical significa nce of this variant cannot be determined conclusively at this time, we lean towa rds it having a benign role.

PreventionGenetics, part of Exact Sciences
Classification: Likely benign. Review status: criteria provided, single submitter. Criteria: ACMG Guidelines, 2015. Collection method: clinical testing. Allele origin: germline. Not counted in ClinVar's aggregate classification.

NM_005633.4(SOS1):c.553A>G (p.Ile185Val)

Gene: SOS1 (SOS Ras/Rac guanine nucleotide exchange factor 1; minus strand). Cytogenetic location: 2p22.1.
Variant type: single nucleotide variant.
Coding change: c.553A>G on transcript NM_005633.4 (MANE Select); coding-DNA position 553, A replaced by G.
Protein change: p.Ile185Val; replaces isoleucine 185 with valine.
Molecular consequence: missense variant.
Genome position (GRCh38, 1-based): chr2:39,054,781, T>C on the plus strand (A>G on the coding strand, the complement: SOS1 is on the minus strand). VCF-style: chr2-39054781-T-C. GRCh37 (hg19) VCF-style: chr2-39281922-T-C.
Other names: p.I185V:ATA>GTA; NM_005633.3(SOS1):c.553A>G; c.532A>G, p.Ile178Val (NM_001382394.1); c.553A>G, p.Ile185Val (NM_001382395.1); short protein forms I185V, I178V.
Identifiers: ClinVar variation 45374 (VCV000045374.47), dbSNP rs143962515, ClinGen allele CA136168.